The following is an entry in ClinVar:

NM_032730.5(RTN4IP1):c.362G>A (p.Arg121Gln)

Gene: RTN4IP1 (reticulon 4 interacting protein 1; minus strand). Cytogenetic location: 6q21.
Variant type: single nucleotide variant.
Coding change: c.362G>A on transcript NM_032730.5 (MANE Select); coding-DNA position 362, G replaced by A.
Protein change: p.Arg121Gln; replaces arginine 121 with glutamine.
Molecular consequence: missense variant.
Genome position (GRCh38, 1-based): chr6:106,622,882, C>T on the plus strand (G>A on the coding strand, the complement: RTN4IP1 is on the minus strand). VCF-style: chr6-106622882-C-T. GRCh37 (hg19) VCF-style: chr6-107070757-C-T.
Other names: c.62G>A, p.Arg21Gln (NM_001318746.1); short protein forms R121Q, R21Q.
Identifiers: ClinVar variation 1431511 (VCV001431511.8), dbSNP rs760154556, ClinGen allele CA3944528.

ClinVar aggregate classification (germline): Uncertain significance (1 of 4 stars; one submission).

Allele frequency attached by ClinVar (database versions not stated): gnomAD 0.00001 and 0.00002; gnomAD exomes 0.00001 and 0.00002; ExAC 0.00002; TOPMed 0.00002.
gnomAD v4.1: 29 of 1,613,990 alleles (0.0018%); highest among the groups gnomAD compares: East Asian, 0.022%; no homozygotes.

Submission:

Labcorp Genetics (formerly Invitae), Labcorp
Classification: Uncertain significance. Last evaluated: 2022-03-10. Review status: criteria provided, single submitter. Criteria: Invitae Variant Classification Sherloc (09022015). Collection method: clinical testing. Allele origin: germline.
Comment: This sequence change replaces arginine, which is basic and polar, with glutamine, which is neutral and polar, at codon 121 of the RTN4IP1 protein (p.Arg121Gln). In summary, the available evidence is currently insufficient to determine the role of this variant in disease. Therefore, it has been classified as a Variant of Uncertain Significance. Algorithms developed to predict the effect of sequence changes on RNA splicing suggest that this variant may create or strengthen a splice site. Algorithms developed to predict the effect of missense changes on protein structure and function are either unavailable or do not agree on the potential impact of this missense change (SIFT: "Tolerated"; PolyPhen-2: "Probably Damaging"; Align-GVGD: "Class C0"). This variant has not been reported in the literature in individuals affected with RTN4IP1-related conditions. This variant is present in population databases (rs760154556, gnomAD 0.006%).